The following is an entry in ClinVar:

NM_001256545.2(MEGF10):c.88G>C (p.Asp30His)

Gene: MEGF10 (multiple EGF like domains 10; plus strand). Cytogenetic location: 5q23.2.
Variant type: single nucleotide variant.
Coding change: c.88G>C on transcript NM_001256545.2 (MANE Select); coding-DNA position 88, G replaced by C.
Protein change: p.Asp30His; replaces aspartic acid 30 with histidine.
Molecular consequence: missense variant.
Genome position (GRCh38, 1-based): chr5:127,331,396, G>C. VCF-style: chr5-127331396-G-C. GRCh37 (hg19) VCF-style: chr5-126667088-G-C.
Other names: c.88G>C, p.Asp30His (NM_001308119.2, NM_001308121.2, NM_032446.3); short protein forms D30H.
Identifiers: ClinVar variation 1397791 (VCV001397791.8), dbSNP rs1761253902, ClinGen allele CA360820846.

ClinVar aggregate classification (germline): Uncertain significance (1 of 4 stars; one submission).

Conditions:
MEGF10-related myopathy (CMYO10A). Also called: Congenital myopathy 10A, severe variant. Identifiers: Orphanet 439212, MedGen C3280679, MONDO:0013731, OMIM 614399.

Submission:

Labcorp Genetics (formerly Invitae), Labcorp
Classification: Uncertain significance for MEGF10-related myopathy. Last evaluated: 2022-02-02. Review status: criteria provided, single submitter. Criteria: Invitae Variant Classification Sherloc (09022015). Collection method: clinical testing. Allele origin: germline.
Comment: Algorithms developed to predict the effect of missense changes on protein structure and function are either unavailable or do not agree on the potential impact of this missense change (SIFT: "Deleterious"; PolyPhen-2: "Possibly Damaging"; Align-GVGD: "Class C0"). This variant has not been reported in the literature in individuals affected with MEGF10-related conditions. This variant is not present in population databases (gnomAD no frequency). This sequence change replaces aspartic acid, which is acidic and polar, with histidine, which is basic and polar, at codon 30 of the MEGF10 protein (p.Asp30His). In summary, the available evidence is currently insufficient to determine the role of this variant in disease. Therefore, it has been classified as a Variant of Uncertain Significance.